The following is an entry in ClinVar:

ClinVar aggregate classification (germline): Uncertain significance (1 of 4 stars; one submission).

Allele frequency attached by ClinVar (database versions not stated): gnomAD exomes below 0.00001.
gnomAD v4.1: 3 of 1,197,854 alleles (0.00025%); highest among the groups gnomAD compares: South Asian, 0.0055%; no homozygotes.

Submission:

GeneDx
Classification: Uncertain significance. Last evaluated: 2022-12-13. Review status: criteria provided, single submitter. Criteria: GeneDx Variant Classification Process June 2021. Collection method: clinical testing. Allele origin: germline. Affected: yes.
Comment: Not observed at significant frequency in large population cohorts (gnomAD); In silico analysis supports that this missense variant does not alter protein structure/function; Has not been previously published as pathogenic or benign to our knowledge

NM_003413.4(ZIC3):c.31T>C (p.Phe11Leu)

Gene: ZIC3 (Zic family member 3; plus strand). Cytogenetic location: Xq26.3.
Variant type: single nucleotide variant.
Coding change: c.31T>C on transcript NM_003413.4 (MANE Select); coding-DNA position 31, T replaced by C.
Protein change: p.Phe11Leu; replaces phenylalanine 11 with leucine.
Molecular consequence: missense variant.
Genome position (GRCh38, 1-based): chrX:137,566,722, T>C. VCF-style: chrX-137566722-T-C. GRCh37 (hg19) VCF-style: chrX-136648881-T-C.
Other names: c.31T>C, p.Phe11Leu (NM_001330661.1); short protein forms F11L.
Identifiers: ClinVar variation 2505779 (VCV002505779.1), dbSNP rs1327091342, ClinGen allele CA414769038.